The following is an entry in ClinVar:

NM_032043.3(BRIP1):c.2098-3_2099del

Gene: BRIP1 (BRCA1 interacting DNA helicase 1; minus strand). Cytogenetic location: 17q23.2.
Variant type: Deletion.
Coding change: c.2098-3_2099del on transcript NM_032043.3 (MANE Select); 3 bases into the intron before coding-DNA position 2098 through coding-DNA position 2099, 5 bases deleted (TAGTT; older notation c.2098-3_2099delTAGTT).
Molecular consequence: splice acceptor variant.
Genome position (GRCh38, 1-based): chr17:61,744,590-61,744,594, AACTA deleted on the plus strand (TAGTT on the coding strand, the reverse complement: BRIP1 is on the minus strand); deleting any 5 consecutive bases within chr17:61,744,590-61,744,596 gives the same sequence; the c. name uses the placement nearest the transcript's 3' end. VCF-style (leftmost placement, unchanged base first): chr17-61744589-TAACTA-T. GRCh37 (hg19) VCF-style: chr17-59821950-TAACTA-T.
Identifiers: ClinVar variation 3993128 (VCV003993128.1).
Genomic context (GRCh38, chr17:61,744,589, plus strand): 5'-CACCAACTCCAGATTATGCCATAAACCAGTAGAGAGCCAACGTTCTTTTAATTTTTCTAA[TAACTA>T]AAGAGGGGAAAGAAAAAAATGATTTTTTGTGTGTCTAGCTAAACAAACTTAACTTCATTT-3'

ClinVar aggregate classification (germline): Likely pathogenic (1 of 4 stars; one submission).

Conditions:
Hereditary cancer-predisposing syndrome. Also called: Tumor predisposition; Hereditary neoplastic syndrome; Neoplastic Syndromes, Hereditary; Hereditary Cancer Syndrome. Identifiers: Orphanet 140162, MedGen C0027672, MeSH D009386, MONDO:0015356.

Submission:

Ambry Genetics
Classification: Likely pathogenic for Hereditary cancer-predisposing syndrome. Last evaluated: 2025-04-02. Review status: criteria provided, single submitter. Criteria: Ambry Variant Classification Scheme 2023. Collection method: clinical testing. Allele origin: germline.
Comment: The c.2098-3_2099delTAGTT variant results from a deletion of 5 nucleotides between positions c.2098-3 and c.2099 and involves the canonical splice acceptor site after coding exon 14 of the BRIP1 gene. This variant is considered to be rare based on population cohorts in the Genome Aggregation Database (gnomAD). The canonical splice acceptor site is highly conserved in available vertebrate species. In silico splice site analysis predicts that this alteration will result in the creation or strengthening of a novel splice acceptor site; however, direct evidence is insufficient at this time (Ambry internal data). Alterations that disrupt the canonical splice site are expected to cause aberrant splicing, resulting in an abnormal protein or a transcript that is subject to nonsense-mediated mRNA decay. As such, this alteration is classified as likely pathogenic.